The following is an entry in ClinVar:

NM_022047.4(DEF6):c.1383-11_1383-8del

Gene: DEF6 (DEF6 guanine nucleotide exchange factor; plus strand). Cytogenetic location: 6p21.31.
Variant type: Deletion.
Coding change: c.1383-11_1383-8del on transcript NM_022047.4 (MANE Select); 11 bases into the intron before coding-DNA position 1383 through 8 bases into the intron before coding-DNA position 1383, 4 bases deleted (TCAC; older notation c.1383-11_1383-8delTCAC).
Molecular consequence: intron variant.
Genome position (GRCh38, 1-based): chr6:35,319,808-35,319,811, TCAC deleted; deleting any 4 consecutive bases within chr6:35,319,805-35,319,811 gives the same sequence; the c. name uses the placement nearest the transcript's 3' end. VCF-style (leftmost placement, unchanged base first): chr6-35319804-ACACT-A. GRCh37 (hg19) VCF-style: chr6-35287581-ACACT-A.
Identifiers: ClinVar variation 1462645 (VCV001462645.5), dbSNP rs779656420, ClinGen allele CA3770926.

ClinVar aggregate classification (germline): Uncertain significance (1 of 4 stars; one submission).

Submission:

Labcorp Genetics (formerly Invitae), Labcorp
Classification: Uncertain significance. Last evaluated: 2023-11-28. Review status: criteria provided, single submitter. Criteria: Invitae Variant Classification Sherloc (09022015). Collection method: clinical testing. Allele origin: germline.
Comment: This sequence change falls in intron 8 of the DEF6 gene. It does not directly change the encoded amino acid sequence of the DEF6 protein. This variant is present in population databases (rs779656420, gnomAD 0.02%). This variant has not been reported in the literature in individuals affected with DEF6-related conditions. ClinVar contains an entry for this variant (Variation ID: 1462645). Algorithms developed to predict the effect of sequence changes on RNA splicing suggest that this variant may disrupt the consensus splice site. In summary, the available evidence is currently insufficient to determine the role of this variant in disease. Therefore, it has been classified as a Variant of Uncertain Significance.